The following is an entry in ClinVar:

ClinVar aggregate classification (germline): Uncertain significance (1 of 4 stars; one submission).

Conditions:
Hereditary cancer-predisposing syndrome. Also called: Neoplastic Syndromes, Hereditary; Tumor predisposition; Hereditary Cancer Syndrome; Hereditary neoplastic syndrome. Identifiers: Orphanet 140162, MedGen C0027672, MeSH D009386, MONDO:0015356.

Submission:

Ambry Genetics
Classification: Uncertain significance for Hereditary cancer-predisposing syndrome. Last evaluated: 2022-04-04. Review status: criteria provided, single submitter. Criteria: Ambry Variant Classification Scheme 2023. Collection method: clinical testing. Allele origin: germline.
Comment: The p.K238Q variant (also known as c.712A>C), located in coding exon 3 of the PHOX2B gene, results from an A to C substitution at nucleotide position 712. The lysine at codon 238 is replaced by glutamine, an amino acid with similar properties. This amino acid position is conserved. In addition, this alteration is predicted to be tolerated by in silico analysis. Since supporting evidence is limited at this time, the clinical significance of this alteration remains unclear.

NM_003924.4(PHOX2B):c.712A>C (p.Lys238Gln)

Gene: PHOX2B (paired like homeobox 2B; minus strand). Cytogenetic location: 4p13.
Variant type: single nucleotide variant.
Coding change: c.712A>C on transcript NM_003924.4 (MANE Select); coding-DNA position 712, A replaced by C.
Protein change: p.Lys238Gln; replaces lysine 238 with glutamine.
Molecular consequence: missense variant.
Genome position (GRCh38, 1-based): chr4:41,746,040, T>G on the plus strand (A>C on the coding strand, the complement: PHOX2B is on the minus strand). VCF-style: chr4-41746040-T-G. GRCh37 (hg19) VCF-style: chr4-41748057-T-G.
Other names: short protein forms K238Q.
Identifiers: ClinVar variation 1757290 (VCV001757290.2), dbSNP rs2552096830, ClinGen allele CA356737307.